The following is an entry in ClinVar:

NC_000002.11:g.(?_215657001)_(215661861_?)dup

Gene: BARD1 (BRCA1 associated RING domain 1; minus strand). Cytogenetic location: 2q35.
Variant type: Duplication.
Identifiers: ClinVar variation 2423137 (VCV002423137.3).

ClinVar aggregate classification (germline): Likely pathogenic (1 of 4 stars; one submission).

Conditions:
Familial cancer of breast. Also called: Hereditary breast cancer; hereditary breast carcinoma; BREAST CANCER, FAMILIAL. Identifiers: Orphanet 227535, MedGen C0346153, MONDO:0016419, OMIM 114480. Disease mechanism: loss of function.

Submission:

Labcorp Genetics (formerly Invitae), Labcorp
Classification: Likely pathogenic for Familial cancer of breast. Last evaluated: 2022-08-21. Review status: criteria provided, single submitter. Criteria: Invitae Variant Classification Sherloc (09022015). Collection method: clinical testing. Allele origin: germline.
Comment: This variant results in a copy number gain of the genomic region encompassing exon(s) 2-3 of the BARD1 gene. While the exact position of this variant cannot be determined from the data, sub-genic copy number gains are generally in tandem (PMID: 25640679). This variant is predicted to be out-of-frame, and may result in an absent or disrupted protein product. Loss-of-function variants in BARD1 are known to be pathogenic (PMID: 20077502, 21344236). This variant has not been reported in the literature in individuals affected with BARD1-related conditions. In summary, the currently available evidence indicates that the variant is pathogenic, but additional data are needed to prove that conclusively. Therefore, this variant has been classified as Likely Pathogenic.

Literature cited by the submitters: PubMed 25640679; PubMed 20077502; PubMed 21344236.